The following is an entry in ClinVar:

NM_006767.4(LZTR1):c.1359G>T (p.Glu453Asp)

Gene: LZTR1 (leucine zipper like post translational regulator 1; plus strand). Cytogenetic location: 22q11.21.
Variant type: single nucleotide variant.
Coding change: c.1359G>T on transcript NM_006767.4 (MANE Select); coding-DNA position 1359, G replaced by T.
Protein change: p.Glu453Asp; replaces glutamic acid 453 with aspartic acid.
Molecular consequence: missense variant.
Genome position (GRCh38, 1-based): chr22:20,993,929, G>T. VCF-style: chr22-20993929-G-T. GRCh37 (hg19) VCF-style: chr22-21348218-G-T.
Other names: short protein forms E453D.
Identifiers: ClinVar variation 3725298 (VCV003725298.2).

ClinVar aggregate classification (germline): Uncertain significance (1 of 4 stars; one submission).

Submission:

Labcorp Genetics (formerly Invitae), Labcorp
Classification: Uncertain significance. Last evaluated: 2024-12-28. Review status: criteria provided, single submitter. Criteria: Invitae Variant Classification Sherloc (09022015). Collection method: clinical testing. Allele origin: germline.
Comment: This sequence change replaces glutamic acid, which is acidic and polar, with aspartic acid, which is acidic and polar, at codon 453 of the LZTR1 protein (p.Glu453Asp). This variant is not present in population databases (gnomAD no frequency). This variant has not been reported in the literature in individuals affected with LZTR1-related conditions. Invitae Evidence Modeling of protein sequence and biophysical properties (such as structural, functional, and spatial information, amino acid conservation, physicochemical variation, residue mobility, and thermodynamic stability) indicates that this missense variant is not expected to disrupt LZTR1 protein function with a negative predictive value of 80%. In summary, the available evidence is currently insufficient to determine the role of this variant in disease. Therefore, it has been classified as a Variant of Uncertain Significance.